The following is an entry in ClinVar:

ClinVar aggregate classification (germline): Likely benign. Review status: criteria provided, multiple submitters, no conflicts (2 of 4 stars). 4 submissions from 4 submitters: Likely benign (3). 1 of the submissions does not count toward it. Last evaluated 2024-09-05.

Conditions:
SDCCAG8-related disorder. Also called: SDCCAG8-Related Disorders; SDCCAG8-related condition.
Bardet-Biedl syndrome 16 (BBS16). Identifiers: Orphanet 110, MedGen C3889474, MONDO:0014444, OMIM 615993.
Senior-Loken syndrome 7 (SLSN7). Identifiers: Orphanet 3156, MedGen C3150877, MONDO:0013326, OMIM 613615.

Allele frequency attached by ClinVar (database versions not stated): gnomAD 0.00003; gnomAD exomes 0.00003 and 0.00005; ExAC 0.00004; TOPMed 0.00006; ESP Exome Variant Server 0.00008.
gnomAD v4.1: 82 of 1,614,142 alleles (0.0051%); highest among the groups gnomAD compares: Non-Finnish European, 0.0063%; no homozygotes.

Submissions (4):

Blueprint Genetics
Classification: Likely benign. Last evaluated: 2024-09-05. Review status: criteria provided, single submitter. Criteria: ACMG Guidelines, 2015. Collection method: clinical testing. Allele origin: germline.

Labcorp Genetics (formerly Invitae), Labcorp
Classification: Likely benign for Bardet-Biedl syndrome 16; Senior-Loken syndrome 7. Last evaluated: 2024-05-13. Review status: criteria provided, single submitter. Criteria: Invitae Variant Classification Sherloc (09022015). Collection method: clinical testing. Allele origin: germline.

Fulgent Genetics
Classification: Likely benign for Senior-Loken syndrome 7; Bardet-Biedl syndrome 16. Last evaluated: 2022-03-23. Review status: criteria provided, single submitter. Criteria: ACMG Guidelines, 2015. Collection method: clinical testing. Allele origin: unknown.

PreventionGenetics, part of Exact Sciences
Classification: Likely benign for SDCCAG8-related condition. Last evaluated: 2022-03-10. Review status: no assertion criteria provided. Collection method: clinical testing. Allele origin: germline. Not counted in ClinVar's aggregate classification.
Comment: This variant is classified as likely benign based on ACMG/AMP sequence variant interpretation guidelines (Richards et al. 2015 PMID: 25741868, with internal and published modifications).

NM_006642.5(SDCCAG8):c.996A>G (p.Arg332=)

Gene: SDCCAG8 (SHH signaling and ciliogenesis regulator SDCCAG8; plus strand). Cytogenetic location: 1q43.
Variant type: single nucleotide variant.
Coding change: c.996A>G on transcript NM_006642.5 (MANE Select); coding-DNA position 996, A replaced by G.
Protein change: p.Arg332=; no amino-acid change (arginine 332 retained).
Molecular consequence: synonymous variant.
Genome position (GRCh38, 1-based): chr1:243,316,821, A>G. VCF-style: chr1-243316821-A-G. GRCh37 (hg19) VCF-style: chr1-243480123-A-G.
Other names: c.93A>G, p.Arg31= (NM_001350246.2, NM_001350247.2, NM_001350251.2); c.1092A>G, p.Arg364= (NM_001350248.2); c.702A>G, p.Arg234= (NM_001350249.2); c.996A>G (NM_006642.3).
Identifiers: ClinVar variation 1130771 (VCV001130771.13), dbSNP rs142658750, ClinGen allele CA1483514.